The following is an entry in ClinVar:

NM_015937.6(PIGT):c.842A>G (p.Tyr281Cys)

Gene: PIGT (phosphatidylinositol glycan anchor biosynthesis class T; plus strand). Cytogenetic location: 20q13.12.
Variant type: single nucleotide variant.
Coding change: c.842A>G on transcript NM_015937.6 (MANE Select); coding-DNA position 842, A replaced by G.
Protein change: p.Tyr281Cys; replaces tyrosine 281 with cysteine.
Molecular consequence: missense variant. On other transcripts: non-coding transcript variant (5).
Genome position (GRCh38, 1-based): chr20:45,420,404, A>G. VCF-style: chr20-45420404-A-G. GRCh37 (hg19) VCF-style: chr20-44049044-A-G.
Other names: c.674A>G, p.Tyr225Cys (NM_001184728.3); c.842A>G, p.Tyr281Cys (NM_001184729.3); c.536A>G, p.Tyr179Cys (NM_001184730.3); short protein forms Y179C, Y225C, Y281C.
Identifiers: ClinVar variation 2140532 (VCV002140532.1), dbSNP rs544841186, ClinGen allele CA9878075.

ClinVar aggregate classification (germline): Uncertain significance (1 of 4 stars; one submission).

Conditions:
Multiple congenital anomalies-hypotonia-seizures syndrome 3 (MCAHS3). Also called: GLYCOSYLPHOSPHATIDYLINOSITOL BIOSYNTHESIS DEFECT 7. Identifiers: Orphanet 369837, MedGen C3809356, MONDO:0014165, OMIM 615398.

Allele frequency attached by ClinVar (database versions not stated): gnomAD 0.00001; gnomAD exomes 0.00001; ExAC 0.00002.
gnomAD v4.1: 19 of 1,613,544 alleles (0.0012%); highest among the groups gnomAD compares: South Asian, 0.0022%; no homozygotes.

Submission:

Labcorp Genetics (formerly Invitae), Labcorp
Classification: Uncertain significance for Multiple congenital anomalies-hypotonia-seizures syndrome 3. Last evaluated: 2022-07-23. Review status: criteria provided, single submitter. Criteria: Invitae Variant Classification Sherloc (09022015). Collection method: clinical testing. Allele origin: germline.
Comment: This sequence change replaces tyrosine, which is neutral and polar, with cysteine, which is neutral and slightly polar, at codon 281 of the PIGT protein (p.Tyr281Cys). This variant is present in population databases (rs544841186, gnomAD 0.007%). This variant has not been reported in the literature in individuals affected with PIGT-related conditions. Algorithms developed to predict the effect of missense changes on protein structure and function are either unavailable or do not agree on the potential impact of this missense change (SIFT: "Deleterious"; PolyPhen-2: "Probably Damaging"; Align-GVGD: "Class C0"). In summary, the available evidence is currently insufficient to determine the role of this variant in disease. Therefore, it has been classified as a Variant of Uncertain Significance.